The following is an entry in ClinVar:

NM_004211.5(SLC6A5):c.2344T>G (p.Leu782Val)

Gene: SLC6A5 (solute carrier family 6 member 5; plus strand). Cytogenetic location: 11p15.1.
Variant type: single nucleotide variant.
Coding change: c.2344T>G on transcript NM_004211.5 (MANE Select); coding-DNA position 2344, T replaced by G.
Protein change: p.Leu782Val; replaces leucine 782 with valine.
Molecular consequence: missense variant.
Genome position (GRCh38, 1-based): chr11:20,654,818, T>G. VCF-style: chr11-20654818-T-G. GRCh37 (hg19) VCF-style: chr11-20676364-T-G.
Other names: c.1642T>G, p.Leu548Val (NM_001318369.2); short protein forms L548V, L782V.
Identifiers: ClinVar variation 1406366 (VCV001406366.8), dbSNP rs765305254, ClinGen allele CA379916758.

ClinVar aggregate classification (germline): Uncertain significance (1 of 4 stars; one submission).

Conditions:
Hyperekplexia 3 (HKPX3). Also called: HYPEREKPLEXIA 3, AUTOSOMAL RECESSIVE; HYPEREKPLEXIA 3, AUTOSOMAL DOMINANT. Identifiers: Orphanet 3197, MedGen C3553288, MONDO:0013827, OMIM 614618.

Submission:

Labcorp Genetics (formerly Invitae), Labcorp
Classification: Uncertain significance for Hyperekplexia 3. Last evaluated: 2024-02-24. Review status: criteria provided, single submitter. Criteria: Invitae Variant Classification Sherloc (09022015). Collection method: clinical testing. Allele origin: germline.
Comment: This sequence change replaces leucine, which is neutral and non-polar, with valine, which is neutral and non-polar, at codon 782 of the SLC6A5 protein (p.Leu782Val). This variant is not present in population databases (gnomAD no frequency). This variant has not been reported in the literature in individuals affected with SLC6A5-related conditions. ClinVar contains an entry for this variant (Variation ID: 1406366). Advanced modeling of protein sequence and biophysical properties (such as structural, functional, and spatial information, amino acid conservation, physicochemical variation, residue mobility, and thermodynamic stability) performed at Invitae indicates that this missense variant is not expected to disrupt SLC6A5 protein function with a negative predictive value of 95%. In summary, the available evidence is currently insufficient to determine the role of this variant in disease. Therefore, it has been classified as a Variant of Uncertain Significance.